The following is an entry in ClinVar:

ClinVar aggregate classification (germline): Likely benign (1 of 4 stars; one submission).

Allele frequency attached by ClinVar (database versions not stated): ExAC 0.00001; gnomAD exomes 0.00002; TOPMed 0.00002; gnomAD 0.00003.
gnomAD v4.1: 26 of 1,614,064 alleles (0.0016%); highest among the groups gnomAD compares: Middle Eastern, 0.016%; no homozygotes.

Submission:

CeGaT Center for Human Genetics Tuebingen
Classification: Likely benign. Last evaluated: 2022-07-01. Review status: criteria provided, single submitter. Criteria: CeGaT Center For Human Genetics Tuebingen Variant Classification Criteria Version 2. Collection method: clinical testing. Allele origin: germline. Affected: yes. Observed: 1 variant allele.
Comment: LAMB1: BP4, BP7

NM_002291.3(LAMB1):c.1690T>C (p.Leu564=)

Gene: LAMB1 (laminin subunit beta 1; minus strand). Cytogenetic location: 7q31.1.
Variant type: single nucleotide variant.
Coding change: c.1690T>C on transcript NM_002291.3 (MANE Select); coding-DNA position 1690, T replaced by C.
Protein change: p.Leu564=; no amino-acid change (leucine 564 retained).
Molecular consequence: synonymous variant.
Genome position (GRCh38, 1-based): chr7:107,964,560, A>G on the plus strand (T>C on the coding strand, the complement: LAMB1 is on the minus strand). VCF-style: chr7-107964560-A-G. GRCh37 (hg19) VCF-style: chr7-107605005-A-G.
Identifiers: ClinVar variation 2657939 (VCV002657939.24), dbSNP rs763031177, ClinGen allele CA4435935.